The following is an entry in ClinVar:

ClinVar aggregate classification (germline): Uncertain significance (1 of 4 stars; one submission).

Conditions:
COG5-congenital disorder of glycosylation. Also called: CONGENITAL DISORDER OF GLYCOSYLATION, TYPE IIi; CDG IIi; COG5-CDG. Identifiers: Orphanet 263487, MedGen C3150876, MONDO:0013325, OMIM 613612.

Submission:

Labcorp Genetics (formerly Invitae), Labcorp
Classification: Uncertain significance for COG5-congenital disorder of glycosylation. Last evaluated: 2021-10-14. Review status: criteria provided, single submitter. Criteria: Invitae Variant Classification Sherloc (09022015). Collection method: clinical testing. Allele origin: germline.
Comment: In summary, the available evidence is currently insufficient to determine the role of this variant in disease. Therefore, it has been classified as a Variant of Uncertain Significance. Algorithms developed to predict the effect of missense changes on protein structure and function are either unavailable or do not agree on the potential impact of this missense change (SIFT: "Tolerated"; PolyPhen-2: "Probably Damaging"; Align-GVGD: "Class C0"). This variant has not been reported in the literature in individuals affected with COG5-related conditions. This variant is not present in population databases (ExAC no frequency). This sequence change replaces proline with histidine at codon 15 of the COG5 protein (p.Pro15His). The proline residue is weakly conserved and there is a moderate physicochemical difference between proline and histidine.

NC_000007.14:g.107563946G>T

Gene: COG5 (component of oligomeric golgi complex 5; minus strand). Cytogenetic location: 7q22.3.
Variant type: single nucleotide variant.
Genome position: GRCh38 VCF-style: chr7-107563946-G-T. GRCh37 (hg19) VCF-style: chr7-107204391-G-T.
Identifiers: ClinVar variation 1386996 (VCV001386996.6), dbSNP rs934471777, ClinGen allele CA368826963.